The following is an entry in ClinVar:

ClinVar aggregate classification (germline): Uncertain significance (1 of 4 stars; one submission).

Conditions:
Arrhythmogenic cardiomyopathy with wooly hair and keratoderma. Also called: PALMOPLANTAR KERATODERMA WITH LEFT VENTRICULAR CARDIOMYOPATHY AND WOOLLY HAIR; Arrhythmogenic cardiomyopathy with woolly hair and keratoderma; Dilated cardiomyopathy with woolly hair and keratoderma; Carvajal syndrome. Identifiers: Orphanet 65282, MedGen C1854063, MONDO:0011581, OMIM 605676.
Arrhythmogenic right ventricular dysplasia 8 (ARVD8). Also called: Arrhythmogenic Right Ventricular Dysplasia/Cardiomyopathy 8; ARRHYTHMOGENIC RIGHT VENTRICULAR DYSPLASIA, FAMILIAL, 8; ARRHYTHMOGENIC RIGHT VENTRICULAR CARDIOMYOPATHY 8. Identifiers: MedGen C1843896, MONDO:0011831, OMIM 607450.

Submission:

Labcorp Genetics (formerly Invitae), Labcorp
Classification: Uncertain significance for Arrhythmogenic cardiomyopathy with wooly hair and keratoderma; Arrhythmogenic right ventricular dysplasia 8. Last evaluated: 2022-08-15. Review status: criteria provided, single submitter. Criteria: Invitae Variant Classification Sherloc (09022015). Collection method: clinical testing. Allele origin: germline.
Comment: This sequence change falls in intron 12 of the DSP gene. It does not directly change the encoded amino acid sequence of the DSP protein. It affects a nucleotide within the consensus splice site. In summary, the available evidence is currently insufficient to determine the role of this variant in disease. Therefore, it has been classified as a Variant of Uncertain Significance. Variants that disrupt the consensus splice site are a relatively common cause of aberrant splicing (PMID: 17576681, 9536098). Algorithms developed to predict the effect of sequence changes on RNA splicing suggest that this variant may create or strengthen a splice site. ClinVar contains an entry for this variant (Variation ID: 1377632). This variant has not been reported in the literature in individuals affected with DSP-related conditions. This variant is not present in population databases (gnomAD no frequency).

Literature cited by the submitters: PubMed 17576681; PubMed 9536098.

NM_004415.4(DSP):c.1574+5G>A

Gene: DSP (desmoplakin; plus strand). Cytogenetic location: 6p24.3.
Variant type: single nucleotide variant.
Coding change: c.1574+5G>A on transcript NM_004415.4 (MANE Select); 5 bases into the intron after coding-DNA position 1574, G replaced by A.
Molecular consequence: intron variant.
Genome position (GRCh38, 1-based): chr6:7,569,345, G>A. VCF-style: chr6-7569345-G-A. GRCh37 (hg19) VCF-style: chr6-7569578-G-A.
Other names: c.1574+5G>A (NM_001319034.2, NM_001008844.3).
Identifiers: ClinVar variation 1377632 (VCV001377632.6), dbSNP rs2113675801, ClinGen allele CA2573140852.